The following is an entry in ClinVar:

NM_015215.4(CAMTA1):c.231T>G (p.Asn77Lys)

Gene: CAMTA1 (calmodulin binding transcription activator 1; plus strand). Cytogenetic location: 1p36.31.
Variant type: single nucleotide variant.
Coding change: c.231T>G on transcript NM_015215.4 (MANE Select); coding-DNA position 231, T replaced by G.
Protein change: p.Asn77Lys; replaces asparagine 77 with lysine.
Molecular consequence: missense variant. On other transcripts: non-coding transcript variant (4).
Genome position (GRCh38, 1-based): chr1:6,825,207, T>G. VCF-style: chr1-6825207-T-G. GRCh37 (hg19) VCF-style: chr1-6885267-T-G.
Other names: c.231T>G, p.Asn77Lys (NM_001195563.2, NM_001242701.2, NM_001349609.2 and 3 more transcripts); c.141T>G, p.Asn47Lys (NM_001349608.2, NM_001349612.2); c.267T>G, p.Asn89Lys (NM_001349627.2); short protein forms N47K, N77K, N89K.
Identifiers: ClinVar variation 1801857 (VCV001801857.1), dbSNP rs2524179873, ClinGen allele CA338217857.
Genomic context (GRCh38, chr1:6,825,207, plus strand): 5'-GCTTGAATGTCTGCCGAAATGTTCAAGTTTACCAAAAGAGAGGCACCGCTGGAACACTAA[T>G]GAGGTAGATAAGTTTCTTTTTTTAAGGGTATAATTATTTTAAGGGCAAATTTTTTAGGTT-3'
Protein context (NP_056030.1, residues 67-87): LPKERHRWNT[Asn77Lys]EEIAAYLITF

ClinVar aggregate classification (germline): Uncertain significance (1 of 4 stars; one submission).

Submission:

GeneDx
Classification: Uncertain significance. Last evaluated: 2022-05-27. Review status: criteria provided, single submitter. Criteria: GeneDx Variant Classification Process June 2021. Collection method: clinical testing. Allele origin: germline. Affected: yes.
Comment: Not observed at significant frequency in large population cohorts (gnomAD); In silico analysis supports that this missense variant has a deleterious effect on protein structure/function; Has not been previously published as pathogenic or benign to our knowledge